The following is an entry in ClinVar:

ClinVar aggregate classification (germline): Uncertain significance (1 of 4 stars; one submission).

Conditions:
Hereditary cancer-predisposing syndrome. Also called: Neoplastic Syndromes, Hereditary; Tumor predisposition; Hereditary Cancer Syndrome; Hereditary neoplastic syndrome. Identifiers: Orphanet 140162, MedGen C0027672, MeSH D009386, MONDO:0015356.

Submission:

Ambry Genetics
Classification: Uncertain significance for Hereditary cancer-predisposing syndrome. Last evaluated: 2022-03-02. Review status: criteria provided, single submitter. Criteria: Ambry Variant Classification Scheme 2023. Collection method: clinical testing. Allele origin: germline.
Comment: The p.N2691S variant (also known as c.8072A>G), located in coding exon 15 of the APC gene, results from an A to G substitution at nucleotide position 8072. The asparagine at codon 2691 is replaced by serine, an amino acid with highly similar properties. This amino acid position is conserved. In addition, in silico predictors for this gene do not accurately predict pathogenicity. Since supporting evidence is limited at this time, the clinical significance of this alteration remains unclear.

NM_000038.6(APC):c.8072A>G (p.Asn2691Ser)

Gene: APC (APC regulator of Wnt signaling pathway; plus strand). Cytogenetic location: 5q22.2.
Variant type: single nucleotide variant.
Coding change: c.8072A>G on transcript NM_000038.6 (MANE Select); coding-DNA position 8072, A replaced by G.
Protein change: p.Asn2691Ser; replaces asparagine 2691 with serine.
Molecular consequence: missense variant.
Genome position (GRCh38, 1-based): chr5:112,843,666, A>G. VCF-style: chr5-112843666-A-G. GRCh37 (hg19) VCF-style: chr5-112179363-A-G.
Other names: c.8072A>G, p.Asn2691Ser (NM_001127510.3, NM_001354895.2, NM_001407450.1); c.8018A>G, p.Asn2673Ser (NM_001127511.3); c.8126A>G, p.Asn2709Ser (NM_001354896.2, NM_001407447.1, NM_001407448.1 and 1 more transcripts); c.8102A>G, p.Asn2701Ser (NM_001354897.2); c.7997A>G, p.Asn2666Ser (NM_001354898.2); c.7988A>G, p.Asn2663Ser (NM_001354899.2); c.7949A>G, p.Asn2650Ser (NM_001354900.2); c.7895A>G, p.Asn2632Ser (NM_001354901.2, NM_001407453.1); and 11 more; short protein forms N2307S, N2408S, N2590S, N2600S, N2681S, N2562S, N2632S, N2666S.
Identifiers: ClinVar variation 1761879 (VCV001761879.2), dbSNP rs1454228756, ClinGen allele CA16038858.